The following is an entry in ClinVar:

ClinVar aggregate classification (germline): Likely benign (1 of 4 stars; one submission).

Conditions:
Ataxia-telangiectasia-like disorder 1 (ATLD1). Identifiers: Orphanet 251347, MedGen C4012790, MONDO:0024557, OMIM 604391.

Allele frequency attached by ClinVar (database versions not stated): gnomAD below 0.00001 and 0.00018; TOPMed 0.00007; gnomAD exomes 0.00011; 1000 Genomes Project 30x 0.00141; 1000 Genomes Project 0.00160.
gnomAD v4.1: 35 of 233,078 alleles (0.015%); highest among the groups gnomAD compares: South Asian, 0.63%; no homozygotes.

Submission:

Illumina Laboratory Services, Illumina
Classification: Likely benign for Ataxia-telangiectasia-like disorder 1. Last evaluated: 2018-01-12. Review status: criteria provided, single submitter. Criteria: ICSL Variant Classification Criteria 13 December 2019. Collection method: clinical testing. Allele origin: germline.
Comment: This variant was observed in the ICSL laboratory as part of a predisposition screen in an ostensibly healthy population. It had not been previously curated by ICSL or reported in the Human Gene Mutation Database (HGMD: prior to June 1st, 2018), and was therefore a candidate for classification through an automated scoring system. Utilizing variant allele frequency, disease prevalence and penetrance estimates, and inheritance mode, an automated score was calculated to assess if this variant is too frequent to cause the disease. Based on the score and internal cut-off values, a variant classified as likely benign is not then subjected to further curation. The score for this variant resulted in a classification of likely benign for this disease.

NM_005591.4(MRE11):c.*2444A>G

Gene: MRE11 (MRE11 homolog, double strand break repair nuclease; minus strand). Cytogenetic location: 11q21.
Variant type: single nucleotide variant.
Coding change: c.*2444A>G on transcript NM_005591.4 (MANE Select); 2444 bases downstream of the stop codon, A replaced by G.
Molecular consequence: 3 prime UTR variant.
Genome position (GRCh38, 1-based): chr11:94,417,681, T>C on the plus strand (A>G on the coding strand, the complement: MRE11 is on the minus strand). VCF-style: chr11-94417681-T-C. GRCh37 (hg19) VCF-style: chr11-94150847-T-C.
Other names: c.*2444A>G (NM_001330347.2, NM_005590.4).
Identifiers: ClinVar variation 306452 (VCV000306452.5), dbSNP rs369336016, ClinGen allele CA10635894.